The following is an entry in ClinVar:

ClinVar aggregate classification (germline): Uncertain significance (1 of 4 stars; one submission).

Submission:

GeneDx
Classification: Uncertain significance. Last evaluated: 2026-03-04. Review status: criteria provided, single submitter. Criteria: GeneDx Variant Classification Process June 2021. Collection method: clinical testing. Allele origin: germline.
Comment: Not observed at significant frequency in large population cohorts (gnomAD); In-frame deletion of 11 amino acid(s) in a non-repeat region; In silico analysis does not support a benign or deleterious effect of this variant on protein structure/function; Has not been previously published as pathogenic or benign to our knowledge

NM_001374828.1(ARID1B):c.1588_1620del (p.Pro530_Ala540del)

Gene: ARID1B (AT-rich interaction domain 1B; plus strand). Cytogenetic location: 6q25.3.
Variant type: Deletion.
Coding change: c.1588_1620del on transcript NM_001374828.1 (MANE Select); coding-DNA positions 1588 to 1620, 33 bases deleted.
Protein change: p.Pro530_Ala540del.
Molecular consequence: inframe deletion.
Genome position (GRCh38, 1-based): chr6:156,779,268-156,779,300, 33 bases deleted; deleting any 33 consecutive bases within chr6:156,779,266-156,779,300 gives the same sequence; the c. name uses the placement nearest the transcript's 3' end. GRCh37 (hg19): chr6:157,100,402-157,100,434.
Other names: c.1588_1620del, p.Pro530_Ala540del (NM_001371656.1, NM_001374820.1, NM_001438482.1 and 9 more transcripts).
Identifiers: ClinVar variation 5008184 (VCV005008184.1).